The following is an entry in ClinVar:

NM_001042424.3(NSD2):c.3679C>T (p.Arg1227Trp)

Gene: NSD2 (nuclear receptor binding SET domain protein 2; plus strand). Cytogenetic location: 4p16.3.
Variant type: single nucleotide variant.
Coding change: c.3679C>T on transcript NM_001042424.3 (MANE Select); coding-DNA position 3679, C replaced by T.
Protein change: p.Arg1227Trp; replaces arginine 1227 with tryptophan.
Molecular consequence: missense variant.
Genome position (GRCh38, 1-based): chr4:1,976,532, C>T. VCF-style: chr4-1976532-C-T. GRCh37 (hg19) VCF-style: chr4-1978259-C-T.
Other names: c.3679C>T, p.Arg1227Trp (NM_133330.3, NM_133331.3, NM_133335.4); short protein forms R1227W.
Identifiers: ClinVar variation 3032323 (VCV003032323.2), dbSNP rs2474761711, ClinGen allele CA356002572.

ClinVar aggregate classification (germline): Uncertain significance (0 of 4 stars; one submission).

Conditions:
NSD2-related disorder. Also called: NSD2-related condition; NSD2 related disorders.

Allele frequency attached by ClinVar (database versions not stated): gnomAD exomes below 0.00001.
gnomAD v4.1: 1 of 1,613,890 alleles (0.000062%); highest among the groups gnomAD compares: Non-Finnish European, 0.000085%; no homozygotes.

Submission:

PreventionGenetics, part of Exact Sciences
Classification: Uncertain significance for NSD2-related condition. Last evaluated: 2023-10-24. Review status: no assertion criteria provided. Collection method: clinical testing. Allele origin: germline.
Comment: The NSD2 c.3679C>T variant is predicted to result in the amino acid substitution p.Arg1227Trp. To our knowledge, this variant has not been reported in the literature or in a large population database, indicating this variant is rare. At this time, the clinical significance of this variant is uncertain due to the absence of conclusive functional and genetic evidence.